The following is an entry in ClinVar:

ClinVar aggregate classification (germline): Conflicting classifications of pathogenicity. Review status: criteria provided, conflicting classifications (1 of 4 stars). 9 submissions from 8 submitters: Uncertain significance (2); Benign (4); Likely benign (2). 1 of the submissions does not count toward it. Last evaluated 2026-02-01.

Conditions:
CDH23-related disorder. Also called: CDH23-related condition; CDH23-related disorders.
Autosomal recessive nonsyndromic hearing loss 12. Also called: DEAFNESS, AUTOSOMAL RECESSIVE 12. Identifiers: Orphanet 90636, MedGen C1832394, MONDO:0011067, OMIM 601386.
Usher syndrome type 1D (USH1D). Also called: USHER SYNDROME, TYPE ID. Identifiers: Orphanet 231169, Orphanet 886, MedGen C1832845, MONDO:0010984, OMIM 601067.

Allele frequency attached by ClinVar (database versions not stated): gnomAD exomes 0.00048; ExAC 0.00078; ESP Exome Variant Server 0.00174; gnomAD 0.00236; 1000 Genomes Project 0.00240; TOPMed 0.00241; 1000 Genomes Project 30x 0.00297.
gnomAD v4.1: 590 of 1,589,392 alleles (0.037%); highest among the groups gnomAD compares: African/African-American, 0.72%; 6 homozygotes.

Submissions (9):

CeGaT Center for Human Genetics Tuebingen
Classification: Likely benign. Last evaluated: 2026-02-01. Review status: criteria provided, single submitter. Criteria: CeGaT Center For Human Genetics Tuebingen Variant Classification Criteria Version 2. Collection method: clinical testing. Allele origin: germline. Affected: yes. Observed: 3 variant alleles.
Comment: CDH23: BP4, BP7

Labcorp Genetics (formerly Invitae), Labcorp
Classification: Benign. Last evaluated: 2026-01-28. Review status: criteria provided, single submitter. Criteria: Invitae Variant Classification Sherloc (09022015). Collection method: clinical testing. Allele origin: germline.

Blueprint Genetics
Classification: Likely benign. Last evaluated: 2024-11-20. Review status: criteria provided, single submitter. Criteria: ACMG Guidelines, 2015. Collection method: clinical testing. Allele origin: germline.

GeneDx
Classification: Benign. Last evaluated: 2019-10-30. Review status: criteria provided, single submitter. Criteria: GeneDx Variant Classification Process June 2021. Collection method: clinical testing. Allele origin: germline. Affected: yes.

Illumina Laboratory Services, Illumina
Classification: Uncertain significance for Usher syndrome type 1D. Last evaluated: 2018-01-12. Review status: criteria provided, single submitter. Criteria: ICSL Variant Classification Criteria 13 December 2019. Collection method: clinical testing. Allele origin: germline.

Illumina Laboratory Services, Illumina
Classification: Uncertain significance for Autosomal recessive nonsyndromic hearing loss 12. Last evaluated: 2018-01-12. Review status: criteria provided, single submitter. Criteria: ICSL Variant Classification Criteria 13 December 2019. Collection method: clinical testing. Allele origin: germline.

Eurofins Ntd Llc (ga)
Classification: Benign. Last evaluated: 2017-05-01. Review status: criteria provided, single submitter. Criteria: EGL Classification Definitions 2015. Collection method: clinical testing. Allele origin: germline. Observed: 1 variant allele, 1 heterozygote.

Laboratory for Molecular Medicine, Mass General Brigham Personalized Medicine
Classification: Benign. Last evaluated: 2012-05-15. Review status: criteria provided, single submitter. Criteria: LMM Criteria. Collection method: clinical testing. Allele origin: germline. Observed: 4 variant alleles.
Comment: Leu1614Leu in Exon 38 of CDH23: This variant is not expected to have clinical si gnificance because it does not alter an amino acid residue, is not located withi n the splice consensus sequence, and has been identified in 0.6% (20/3554) of Af rican American chromosomes from a broad population by the NHLBI Exome Sequencing Project.

PreventionGenetics, part of Exact Sciences
Classification: Benign for CDH23-related condition. Last evaluated: 2019-07-22. Review status: no assertion criteria provided. Collection method: clinical testing. Allele origin: germline. Not counted in ClinVar's aggregate classification.
Comment: This variant is classified as benign based on ACMG/AMP sequence variant interpretation guidelines (Richards et al. 2015 PMID: 25741868, with internal and published modifications).

NM_022124.6(CDH23):c.4842G>C (p.Leu1614=)

Gene: CDH23 (cadherin related 23; plus strand). Cytogenetic location: 10q22.1.
Variant type: single nucleotide variant.
Coding change: c.4842G>C on transcript NM_022124.6 (MANE Select); coding-DNA position 4842, G replaced by C.
Protein change: p.Leu1614=; no amino-acid change (leucine 1614 retained).
Molecular consequence: synonymous variant.
Genome position (GRCh38, 1-based): chr10:71,741,918, G>C. VCF-style: chr10-71741918-G-C. GRCh37 (hg19) VCF-style: chr10-73501675-G-C.
Identifiers: ClinVar variation 45956 (VCV000045956.55), dbSNP rs368377560, ClinGen allele CA137444.